The following is an entry in ClinVar:

NM_001005242.3(PKP2):c.971_972insT (p.Ala325fs)

Gene: PKP2 (plakophilin 2; minus strand). Cytogenetic location: 12p11.21.
Variant type: Insertion.
Coding change: c.971_972insT on transcript NM_001005242.3 (MANE Select); coding-DNA positions 971 to 972, T inserted.
Protein change: p.Ala325fs; shifts the reading frame from alanine 325.
Molecular consequence: frameshift variant.
Genome position: GRCh38 VCF-style: chr12-32877908-C-CA. GRCh37 (hg19) VCF-style: chr12-33030842-C-CA.
Other names: c.971_972insT, p.Ala325Glyfs (NM_001407155.1, NM_001407156.1, NM_001407157.1 and 1 more transcripts); c.644_645insT, p.Ala216Glyfs (NM_001407158.1, NM_001407159.1, NM_001407160.1 and 1 more transcripts); c.971_972insT, p.Ala325fs (NM_004572.4); short protein forms A325fs.
Identifiers: ClinVar variation 1767952 (VCV001767952.2), dbSNP rs779241371, ClinGen allele CA2575004080.

ClinVar aggregate classification (germline): Pathogenic (1 of 4 stars; one submission).

Conditions:
Cardiovascular phenotype. Identifiers: MedGen CN230736.

Submission:

Ambry Genetics
Classification: Pathogenic for Cardiovascular phenotype. Last evaluated: 2021-06-26. Review status: criteria provided, single submitter. Criteria: Ambry Variant Classification Scheme 2023. Collection method: clinical testing. Allele origin: germline.
Comment: The c.971_972insT pathogenic mutation, located in coding exon 3 of the PKP2 gene, results from an insertion of one nucleotide at position 971, causing a translational frameshift with a predicted alternate stop codon (p.A325Gfs*11). This mutation (referred to as c.972insT, p.A324fs335X) has been detected in an individual with arrhythmogenic right ventricular cardiomyopathy (ARVC), and in vitro studies of this variant using human induced pluripotent stem cells demonstrated significant desmosomal abnormalities (Caspi O et al. Circ Cardiovasc Genet, 2013 Dec;6:557-68). This alteration is expected to result in loss of function by premature protein truncation or nonsense-mediated mRNA decay. As such, this alteration is interpreted as a disease-causing mutation.

Literature cited by the submitters: PubMed 24200905.